The following is an entry in ClinVar:

ClinVar aggregate classification (germline): Likely benign. Review status: criteria provided, single submitter (1 of 4 stars). 2 submissions from 2 submitters: Likely benign (1). 1 of the submissions does not count toward it. Last evaluated 2020-10-19.

Conditions:
NLRP2-related disorder. Also called: NLRP2-related condition.

Allele frequency attached by ClinVar (database versions not stated): ExAC 0.00137; gnomAD 0.00152; ESP Exome Variant Server 0.00185; 1000 Genomes Project 0.00200; TOPMed 0.00202; 1000 Genomes Project 30x 0.00234.
gnomAD v4.1: 2,514 of 1,613,468 alleles (0.16%); highest among the groups gnomAD compares: Admixed American, 0.32%; 4 homozygotes.

Submissions (2):

Labcorp Genetics (formerly Invitae), Labcorp
Classification: Likely benign. Last evaluated: 2020-10-19. Review status: criteria provided, single submitter. Criteria: Invitae Variant Classification Sherloc (09022015). Collection method: clinical testing. Allele origin: germline.

PreventionGenetics, part of Exact Sciences
Classification: Likely benign for NLRP2-related condition. Last evaluated: 2022-05-23. Review status: no assertion criteria provided. Collection method: clinical testing. Allele origin: germline. Not counted in ClinVar's aggregate classification.
Comment: This variant is classified as likely benign based on ACMG/AMP sequence variant interpretation guidelines (Richards et al. 2015 PMID: 25741868, with internal and published modifications).

NM_017852.5(NLRP2):c.3124A>G (p.Ile1042Val)

Gene: NLRP2 (NLR family pyrin domain containing 2; plus strand). Cytogenetic location: 19q13.42.
Variant type: single nucleotide variant.
Coding change: c.3124A>G on transcript NM_017852.5 (MANE Select); coding-DNA position 3124, A replaced by G.
Protein change: p.Ile1042Val; replaces isoleucine 1042 with valine.
Molecular consequence: missense variant. On other transcripts: non-coding transcript variant (1).
Genome position (GRCh38, 1-based): chr19:55,000,833, A>G. VCF-style: chr19-55000833-A-G. GRCh37 (hg19) VCF-style: chr19-55512201-A-G.
Other names: c.3124A>G, p.Ile1042Val (NM_001174081.3); c.3058A>G, p.Ile1020Val (NM_001174082.3); c.3055A>G, p.Ile1019Val (NM_001174083.2); c.3115A>G, p.Ile1039Val (NM_001348003.2); c.3124A>G (NM_001174081.2); short protein forms I1019V, I1020V, I1042V, I1039V.
Identifiers: ClinVar variation 2060327 (VCV002060327.5), dbSNP rs139504696, ClinGen allele CA310115458.